The following is an entry in ClinVar:

ClinVar aggregate classification (germline): Uncertain significance (1 of 4 stars; one submission).

Conditions:
Charcot-Marie-Tooth disease type 2. Also called: Charcot-Marie-Tooth type 2. Identifiers: Orphanet 64746, MedGen C0270914, MONDO:0018993.

Submission:

Labcorp Genetics (formerly Invitae), Labcorp
Classification: Uncertain significance for Charcot-Marie-Tooth disease type 2. Last evaluated: 2021-10-28. Review status: criteria provided, single submitter. Criteria: Invitae Variant Classification Sherloc (09022015). Collection method: clinical testing. Allele origin: germline.
Comment: In summary, the available evidence is currently insufficient to determine the role of this variant in disease. Therefore, it has been classified as a Variant of Uncertain Significance. This sequence change replaces arginine, which is basic and polar, with glycine, which is neutral and non-polar, at codon 351 of the LMNA protein (p.Arg351Gly). This variant is not present in population databases (gnomAD no frequency). This variant has not been reported in the literature in individuals affected with LMNA-related conditions. ClinVar contains an entry for this variant (Variation ID: 1005514). Algorithms developed to predict the effect of missense changes on protein structure and function are either unavailable or do not agree on the potential impact of this missense change (SIFT: "Deleterious"; PolyPhen-2: "Benign"; Align-GVGD: "Class C65").

NM_170707.4(LMNA):c.1051A>G (p.Arg351Gly)

Gene: LMNA (lamin A/C; plus strand). Cytogenetic location: 1q22.
Variant type: single nucleotide variant.
Coding change: c.1051A>G on transcript NM_170707.4 (MANE Select); coding-DNA position 1051, A replaced by G.
Protein change: p.Arg351Gly; replaces arginine 351 with glycine.
Molecular consequence: missense variant.
Genome position (GRCh38, 1-based): chr1:156,136,015, A>G. VCF-style: chr1-156136015-A-G. GRCh37 (hg19) VCF-style: chr1-156105806-A-G.
Other names: c.715A>G, p.Arg239Gly (NM_001257374.3); c.808A>G, p.Arg270Gly (NM_001282624.2); c.1051A>G, p.Arg351Gly (NM_001282625.2, NM_001282626.2, NM_005572.4 and 1 more transcripts); short protein forms R239G, R270G, R351G.
Identifiers: ClinVar variation 1005514 (VCV001005514.6), dbSNP rs771623461, ClinGen allele CA342820271.
Genomic context (GRCh38, chr1:156,136,015, plus strand): 5'-CGGGACACCAGCCGGCGGCTGCTGGCGGAAAAGGAGCGGGAGATGGCCGAGATGCGGGCA[A>G]GGATGCAGCAGCAGCTGGACGAGTACCAGGAGCTTCTGGACATCAAGCTGGCCCTGGACA-3'
Protein context (NP_733821.1, residues 341-361): KEREMAEMRA[Arg351Gly]MQQQLDEYQE